The following is an entry in ClinVar:

ClinVar aggregate classification (germline): Uncertain significance (1 of 4 stars; one submission).

Submission:

GeneDx
Classification: Uncertain significance. Last evaluated: 2022-05-18. Review status: criteria provided, single submitter. Criteria: GeneDx Variant Classification Process June 2021. Collection method: clinical testing. Allele origin: germline. Affected: yes.
Comment: Not observed at significant frequency in large population cohorts (gnomAD); Frameshift variant predicted to result in protein truncation as the last 139 amino acids are replaced with 318 different amino acids, although loss-of-function variants have not been reported downstream of this position in the protein; Has not been previously published as pathogenic or benign to our knowledge

NM_000836.4(GRIN2D):c.3592_3595del (p.Ser1198fs)

Gene: GRIN2D (glutamate ionotropic receptor NMDA type subunit 2D; plus strand). Cytogenetic location: 19q13.33.
Variant type: Deletion.
Coding change: c.3592_3595del on transcript NM_000836.4 (MANE Select); coding-DNA positions 3592 to 3595, 4 bases deleted (TCGC; older notation c.3592_3595delTCGC).
Protein change: p.Ser1198fs; shifts the reading frame from serine 1198.
Molecular consequence: frameshift variant.
Genome position (GRCh38, 1-based): chr19:48,443,518-48,443,521, TCGC deleted; deleting any 4 consecutive bases within chr19:48,443,516-48,443,521 gives the same sequence; the c. name uses the placement nearest the transcript's 3' end. VCF-style (leftmost placement, unchanged base first): chr19-48443515-TGCTC-T. GRCh37 (hg19) VCF-style: chr19-48946772-TGCTC-T.
Other names: short protein forms S1198fs.
Identifiers: ClinVar variation 1800649 (VCV001800649.1), dbSNP rs2513693614, ClinGen allele CA2580097513.